The following is an entry in ClinVar:

NM_152296.5(ATP1A3):c.1918A>G (p.Ile640Val)

Gene: ATP1A3 (ATPase Na+/K+ transporting subunit alpha 3; minus strand). Cytogenetic location: 19q13.2.
Variant type: single nucleotide variant.
Coding change: c.1918A>G on transcript NM_152296.5 (MANE Select); coding-DNA position 1918, A replaced by G.
Protein change: p.Ile640Val; replaces isoleucine 640 with valine.
Molecular consequence: missense variant.
Genome position (GRCh38, 1-based): chr19:41,977,961, T>C on the plus strand (A>G on the coding strand, the complement: ATP1A3 is on the minus strand). VCF-style: chr19-41977961-T-C. GRCh37 (hg19) VCF-style: chr19-42482113-T-C.
Other names: c.1951A>G, p.Ile651Val (NM_001256213.2); c.1957A>G, p.Ile653Val (NM_001256214.2); short protein forms I640V, I651V, I653V.
Identifiers: ClinVar variation 4822534 (VCV004822534.4).
Genomic context (GRCh38, chr19:41,977,961, plus strand): 5'-GATGTCCAGGGCCCTGGCTGGGATGGGTGGCTCACCGGGGGTTAACCTGGCTGACGGGAA[T>C]GTTGAGCCGGGCGGCGATGTCCTCCACAGTCTCGTTGCCCTCAGAGATGATGCCCACACC-3'
Protein context (NP_689509.1, residues 630-650): TVEDIAARLN[Ile640Val]PVSQVNPRDA

ClinVar aggregate classification (germline): Uncertain significance (1 of 4 stars; one submission).

gnomAD v4.1: 1 of 1,614,088 alleles (0.000062%); highest among the groups gnomAD compares: Non-Finnish European, 0.000085%; no homozygotes.

Submission:

CeGaT Center for Human Genetics Tuebingen
Classification: Uncertain significance. Last evaluated: 2026-03-01. Review status: criteria provided, single submitter. Criteria: CeGaT Center For Human Genetics Tuebingen Variant Classification Criteria Version 2. Collection method: clinical testing. Allele origin: germline. Affected: yes. Observed: 1 variant allele.
Comment: ATP1A3: PM2, PP3